The following is an entry in ClinVar:

NM_020975.6(RET):c.950C>G (p.Thr317Arg)

Gene: RET (ret proto-oncogene; plus strand). Cytogenetic location: 10q11.21.
Variant type: single nucleotide variant.
Coding change: c.950C>G on transcript NM_020975.6 (MANE Select); coding-DNA position 950, C replaced by G.
Protein change: p.Thr317Arg; replaces threonine 317 with arginine.
Molecular consequence: missense variant. On other transcripts: intron variant (25).
Genome position (GRCh38, 1-based): chr10:43,106,458, C>G. VCF-style: chr10-43106458-C-G. GRCh37 (hg19) VCF-style: chr10-43601906-C-G.
Other names: c.188C>G, p.Thr63Arg (NM_001355216.2); c.950C>G, p.Thr317Arg (NM_001406743.1, NM_001406744.1, NM_001406759.1 and 4 more transcripts); c.821C>G, p.Thr274Arg (NM_001406761.1, NM_001406762.1, NM_001406764.1 and 1 more transcripts); c.662C>G, p.Thr221Arg (NM_001406766.1, NM_001406767.1, NM_001406770.1); c.867+1265C>G (NM_001406772.1, NM_001406769.1); c.626-2573C>G (NM_001406773.1, NM_001406771.1); c.625+3829C>G (NM_001406782.1, NM_001406780.1, NM_001406779.1 and 3 more transcripts); c.74-5641C>G (NM_001406794.1, NM_001406792.1, NM_001406793.1); and 5 more; short protein forms T221R, T317R, T274R, T63R.
Identifiers: ClinVar variation 3641829 (VCV003641829.2).

ClinVar aggregate classification (germline): Uncertain significance (1 of 4 stars; one submission).

Conditions:
Multiple endocrine neoplasia, type 2 (MEN2). Identifiers: Orphanet 653, MedGen C4048306, MONDO:0019003. Disease mechanism: gain of function.

gnomAD v4.1: 6 of 1,613,406 alleles (0.00037%); highest among the groups gnomAD compares: Non-Finnish European, 0.00051%; no homozygotes.

Submission:

Labcorp Genetics (formerly Invitae), Labcorp
Classification: Uncertain significance for Multiple endocrine neoplasia, type 2. Last evaluated: 2024-02-18. Review status: criteria provided, single submitter. Criteria: Invitae Variant Classification Sherloc (09022015). Collection method: clinical testing. Allele origin: germline.
Comment: This sequence change replaces threonine, which is neutral and polar, with arginine, which is basic and polar, at codon 317 of the RET protein (p.Thr317Arg). This variant is not present in population databases (gnomAD no frequency). This variant has not been reported in the literature in individuals affected with RET-related conditions. An algorithm developed to predict the effect of missense changes on protein structure and function (PolyPhen-2) suggests that this variant is likely to be disruptive. In summary, the available evidence is currently insufficient to determine the role of this variant in disease. Therefore, it has been classified as a Variant of Uncertain Significance.